The following is an entry in ClinVar:

ClinVar aggregate classification (germline): Uncertain significance (1 of 4 stars; one submission).

Conditions:
Early Myoclonic Encephalopathy. Identifiers: MedGen C0270855.

Submission:

Labcorp Genetics (formerly Invitae), Labcorp
Classification: Uncertain significance for Early Myoclonic Encephalopathy. Last evaluated: 2024-07-11. Review status: criteria provided, single submitter. Criteria: Invitae Variant Classification Sherloc (09022015). Collection method: clinical testing. Allele origin: germline.
Comment: This sequence change replaces valine, which is neutral and non-polar, with aspartic acid, which is acidic and polar, at codon 197 of the KCND2 protein (p.Val197Asp). This variant is not present in population databases (gnomAD no frequency). This variant has not been reported in the literature in individuals affected with KCND2-related conditions. Advanced modeling of protein sequence and biophysical properties (such as structural, functional, and spatial information, amino acid conservation, physicochemical variation, residue mobility, and thermodynamic stability) performed at Invitae indicates that this missense variant is not expected to disrupt KCND2 protein function with a negative predictive value of 80%. In summary, the available evidence is currently insufficient to determine the role of this variant in disease. Therefore, it has been classified as a Variant of Uncertain Significance.

NM_012281.3(KCND2):c.590T>A (p.Val197Asp)

Gene: KCND2 (potassium voltage-gated channel subfamily D member 2; plus strand). Cytogenetic location: 7q31.31.
Variant type: single nucleotide variant.
Coding change: c.590T>A on transcript NM_012281.3 (MANE Select); coding-DNA position 590, T replaced by A.
Protein change: p.Val197Asp; replaces valine 197 with aspartic acid.
Molecular consequence: missense variant.
Genome position (GRCh38, 1-based): chr7:120,275,222, T>A. VCF-style: chr7-120275222-T-A. GRCh37 (hg19) VCF-style: chr7-119915276-T-A.
Other names: short protein forms V197D.
Identifiers: ClinVar variation 3659228 (VCV003659228.2).